The following is an entry in ClinVar:

NM_000402.4(G6PD):c.1490C>G (p.Pro497Arg)

Gene: G6PD (glucose-6-phosphate dehydrogenase; minus strand). Cytogenetic location: Xq28.
Variant type: single nucleotide variant.
Coding change: c.1490C>G on transcript NM_000402.4; coding-DNA position 1490, C replaced by G.
Protein change: p.Pro497Arg; replaces proline 497 with arginine.
Molecular consequence: missense variant.
Genome position (GRCh38, 1-based): chrX:154,532,245, G>C on the plus strand (C>G on the coding strand, the complement: G6PD is on the minus strand). VCF-style: chrX-154532245-G-C. GRCh37 (hg19) VCF-style: chrX-153760460-G-C.
Other names: G6PD, PRO467ARG; G6PD Neapolis; c.1400C>G, p.Pro467Arg (NM_001042351.3, NM_001360016.2); short protein forms P467R, P497R.
Identifiers: ClinVar variation 10409 (VCV000010409.9), dbSNP rs137852344, ClinGen allele CA121036.

ClinVar aggregate classification (germline): Likely pathogenic. Review status: criteria provided, multiple submitters, no conflicts (2 of 4 stars). 4 submissions from 4 submitters: Likely pathogenic (3). 1 of the submissions does not count toward it. Last evaluated 2025-05-21.

Conditions:
Anemia, nonspherocytic hemolytic, due to G6PD deficiency (CNSHA1). Also called: Class I glucose-6-phosphate dehydrogenase deficiency; Favism, susceptibility to; Hemolytic anemia due to G6PD deficiency; ANEMIA, CONGENITAL, NONSPHEROCYTIC HEMOLYTIC, 1. Identifiers: Orphanet 466026, MedGen C2720289, MONDO:0010480, OMIM 300908.
G6PD NEAPOLIS.

Allele frequency attached by ClinVar (database versions not stated): ExAC below 0.00001.

Submissions (4):

Victorian Clinical Genetics Services, Murdoch Childrens Research Institute
Classification: Likely pathogenic for Anemia, nonspherocytic hemolytic, due to G6PD deficiency. Last evaluated: 2025-05-21. Review status: criteria provided, single submitter. Criteria: ACMG Guidelines, 2015. Collection method: clinical testing. Allele origin: germline.
Comment: This variant is classified as Likely pathogenic. Evidence in support of pathogenic classification: Variant is present in gnomAD <0.001 for a dominant condition (v4: 0 heterozygote(s), 0 homozygote(s), 1 hemizygote(s)) ; This variant has moderate previous evidence of pathogenicity in unrelated individuals. This variant has been classified as likely pathogenic by a clinical laboratory in ClinVar, and reported in the literature in two asymptomatic individuals with reduced G6PD activity levels (ClinVar, PMIDs: 24134566, 9233561); This variant has moderate functional evidence supporting abnormal protein function. Enzyme activity has been shown to be around 30-40% of wild type in two male individuals with this variant (PMIDs: 9233561, 24134566); Missense variant predicted to be damaging by in silico tool(s) or highly conserved with a major amino acid change. Additional information: Variant is predicted to result in a missense amino acid change from proline to arginine; This variant is heterozygous; This gene is associated with X-linked recessive disease. Hemizygous males and homozygous females are commonly affected; however, some heterozygous female carriers can also be affected depending on X-inactivation; Alternative amino acid change(s) at the same position are present in gnomAD (Highest allele count: v4: 1 heterozygote(s), 0 homozygote(s), 1 hemizygote(s)) ; No published segregation evidence has been identified for this variant; No comparable missense variants have previous evidence for pathogenicity; Variant is located in the annotated C-terminal domain (DECIPHER); Loss of function is a known mechanism of disease in this gene and is associated with G6PD deficient congenital nonspherocytic haemolytic anaemia 1 (MIM#300908).

Labcorp Genetics (formerly Invitae), Labcorp
Classification: Likely pathogenic for Anemia, nonspherocytic hemolytic, due to G6PD deficiency. Last evaluated: 2023-09-08. Review status: criteria provided, single submitter. Criteria: Invitae Variant Classification Sherloc (09022015). Collection method: clinical testing. Allele origin: germline.
Comment: ClinVar contains an entry for this variant (Variation ID: 10409). This variant is not present in population databases (gnomAD no frequency). This missense change has been observed in individuals with glucose-6-phosphate dehydrogenase deficiency (PMID: 9233561, 24134566). This sequence change replaces proline, which is neutral and non-polar, with arginine, which is basic and polar, at codon 467 of the G6PD protein (p.Pro467Arg). Advanced modeling of protein sequence and biophysical properties (such as structural, functional, and spatial information, amino acid conservation, physicochemical variation, residue mobility, and thermodynamic stability) performed at Invitae indicates that this missense variant is expected to disrupt G6PD protein function. In summary, the currently available evidence indicates that the variant is pathogenic, but additional data are needed to prove that conclusively. Therefore, this variant has been classified as Likely Pathogenic.

Dunham Lab, University of Washington
Classification: Likely pathogenic for Anemia, nonspherocytic hemolytic, due to G6PD deficiency. Last evaluated: 2022-08-12. Review status: criteria provided, single submitter. Criteria: Bayesian ACMG Guidelines, 2018. Collection method: curation. Allele origin: unknown. Affected: yes.
Comment: Variant found in hemizygotes with G6PD deficiency (PP4). Decreased actvity in red blood cells (30-45%) (PS3). Not found in gnomAD (PM2). Not found in gnomAD (PM2). Post_P 0.949 (odds of pathogenicity 168.4, Prior_P 0.1).

OMIM
Classification: other for G6PD NEAPOLIS. Last evaluated: 2016-07-28. Review status: no assertion criteria provided. Collection method: literature only. Allele origin: germline. Not counted in ClinVar's aggregate classification.

Literature cited by the submitters: PubMed 9233561 (cited by 4 submitters); PubMed 24134566 (cited by 3 submitters).